The following is an entry in ClinVar:

NM_001022.4(RPS19):c.139C>T (p.Pro47Ser)

Genes: RPS19 (ribosomal protein S19; plus strand), RPS19-CD79A (RPS19-CD79A readthrough; plus strand). Cytogenetic location: 19q13.2.
Variant type: single nucleotide variant.
Coding change: c.139C>T on transcript NM_001022.4 (MANE Select); coding-DNA position 139, C replaced by T.
Protein change: p.Pro47Ser; replaces proline 47 with serine.
Molecular consequence: missense variant.
Genome position (GRCh38, 1-based): chr19:41,861,179, C>T. VCF-style: chr19-41861179-C-T. GRCh37 (hg19) VCF-style: chr19-42365248-C-T.
Other names: c.139C>T, p.Pro47Ser (NM_001321483.2, NM_001321484.2, NM_001321485.2); short protein forms P47S.
Identifiers: ClinVar variation 418459 (VCV000418459.2), dbSNP rs1064793253, ClinGen allele CA16620854.

ClinVar aggregate classification (germline): Uncertain significance (1 of 4 stars; one submission).

Submission:

GeneDx
Classification: Uncertain significance. Last evaluated: 2016-11-04. Review status: criteria provided, single submitter. Criteria: GeneDx Variant Classification (06012015). Collection method: clinical testing. Allele origin: germline. Affected: yes.
Comment: A variant of uncertain significance has been identified in the RPS19 gene. The P47S variant has not been published as a pathogenic variant, nor has it been reported as a benign variant to our knowledge. The variant was not observed in approximately 6,500 individuals of European and African American ancestry in the NHLBI Exome Sequencing Project, indicating it is not a common benign variant in these populations. P47S is a non-conservative amino acid substitution, which is likely to impact secondary protein structure as these residues differ in polarity, charge, size and/or other properties. This substitution occurs at a position that is conserved across species, and in silico analysis predicts this variant is probably damaging to the protein structure/function. While another variant affecting the same residue (P47L) has been published previously, it has only been observed in one individual with DBA to our knowledge (Ramenghi et al., 2000). Therefore, based on the currently available information, it is unclear whether the P47S variant is a pathogenic variant or a rare benign variant.